The following is an entry in ClinVar:

ClinVar aggregate classification (germline): Uncertain significance (1 of 4 stars; one submission).

Allele frequency attached by ClinVar (database versions not stated): gnomAD exomes 0.00001; gnomAD 0.00003; TOPMed 0.00003.
gnomAD v4.1: 27 of 1,613,494 alleles (0.0017%); highest among the groups gnomAD compares: Non-Finnish European, 0.0018%; no homozygotes.

Submission:

Labcorp Genetics (formerly Invitae), Labcorp
Classification: Uncertain significance. Last evaluated: 2022-01-17. Review status: criteria provided, single submitter. Criteria: Invitae Variant Classification Sherloc (09022015). Collection method: clinical testing. Allele origin: germline.
Comment: In summary, the available evidence is currently insufficient to determine the role of this variant in disease. Therefore, it has been classified as a Variant of Uncertain Significance. Algorithms developed to predict the effect of missense changes on protein structure and function are either unavailable or do not agree on the potential impact of this missense change (SIFT: "Deleterious"; PolyPhen-2: "Possibly Damaging"; Align-GVGD: "Class C0"). This variant has not been reported in the literature in individuals affected with GPAA1-related conditions. This variant is present in population databases (no rsID available, gnomAD 0.004%). This sequence change replaces valine, which is neutral and non-polar, with methionine, which is neutral and non-polar, at codon 223 of the GPAA1 protein (p.Val223Met).

NM_003801.4(GPAA1):c.667G>A (p.Val223Met)

Gene: GPAA1 (glycosylphosphatidylinositol anchor attachment 1; plus strand). Cytogenetic location: 8q24.3.
Variant type: single nucleotide variant.
Coding change: c.667G>A on transcript NM_003801.4 (MANE Select); coding-DNA position 667, G replaced by A.
Protein change: p.Val223Met; replaces valine 223 with methionine.
Molecular consequence: missense variant.
Genome position (GRCh38, 1-based): chr8:144,084,184, G>A. VCF-style: chr8-144084184-G-A. GRCh37 (hg19) VCF-style: chr8-145139087-G-A.
Other names: short protein forms V223M.
Identifiers: ClinVar variation 2197491 (VCV002197491.2), dbSNP rs1452741588, ClinGen allele CA372600183.